The following is an entry in ClinVar:

NM_001457.4(FLNB):c.4096G>C (p.Glu1366Gln)

Gene: FLNB (filamin B; plus strand). Cytogenetic location: 3p14.3.
Variant type: single nucleotide variant.
Coding change: c.4096G>C on transcript NM_001457.4 (MANE Select); coding-DNA position 4096, G replaced by C.
Protein change: p.Glu1366Gln; replaces glutamic acid 1366 with glutamine.
Molecular consequence: missense variant.
Genome position (GRCh38, 1-based): chr3:58,126,636, G>C. VCF-style: chr3-58126636-G-C. GRCh37 (hg19) VCF-style: chr3-58112363-G-C.
Other names: c.4096G>C, p.Glu1366Gln (NM_001164317.2, NM_001164318.2, NM_001164319.2); short protein forms E1366Q.
Identifiers: ClinVar variation 2571988 (VCV002571988.1), dbSNP rs780346723, ClinGen allele CA2468661.

ClinVar aggregate classification (germline): Uncertain significance (1 of 4 stars; one submission).

Allele frequency attached by ClinVar (database versions not stated): gnomAD exomes below 0.00001; ExAC 0.00001.
gnomAD v4.1: 1 of 1,614,060 alleles (0.000062%); highest among the groups gnomAD compares: Non-Finnish European, 0.000085%; no homozygotes.

Submission:

GeneDx
Classification: Uncertain significance. Last evaluated: 2023-01-10. Review status: criteria provided, single submitter. Criteria: GeneDx Variant Classification Process June 2021. Collection method: clinical testing. Allele origin: germline. Affected: yes.
Comment: Not observed at significant frequency in large population cohorts (gnomAD); In silico analysis supports that this missense variant has a deleterious effect on protein structure/function; Has not been previously published as pathogenic or benign to our knowledge